The following is an entry in ClinVar:

ClinVar aggregate classification (germline): Uncertain significance (1 of 4 stars; one submission).

Submission:

Labcorp Genetics (formerly Invitae), Labcorp
Classification: Uncertain significance. Last evaluated: 2023-04-17. Review status: criteria provided, single submitter. Criteria: Invitae Variant Classification Sherloc (09022015). Collection method: clinical testing. Allele origin: germline.
Comment: This sequence change replaces serine, which is neutral and polar, with proline, which is neutral and non-polar, at codon 171 of the KCNK4 protein (p.Ser171Pro). This variant is not present in population databases (gnomAD no frequency). This variant has not been reported in the literature in individuals affected with KCNK4-related conditions. An algorithm developed to predict the effect of missense changes on protein structure and function (PolyPhen-2) suggests that this variant is likely to be disruptive. In summary, the available evidence is currently insufficient to determine the role of this variant in disease. Therefore, it has been classified as a Variant of Uncertain Significance.

NM_033310.3(KCNK4):c.511T>C (p.Ser171Pro)

Genes: KCNK4-CATSPERZ (KCNK4-CATSPERZ readthrough (NMD candidate); plus strand), KCNK4 (potassium two pore domain channel subfamily K member 4; plus strand). Cytogenetic location: 11q13.1.
Variant type: single nucleotide variant.
Coding change: c.511T>C on transcript NM_033310.3 (MANE Select); coding-DNA position 511, T replaced by C.
Protein change: p.Ser171Pro; replaces serine 171 with proline.
Molecular consequence: missense variant. On other transcripts: non-coding transcript variant (1).
Genome position (GRCh38, 1-based): chr11:64,297,503, T>C. VCF-style: chr11-64297503-T-C. GRCh37 (hg19) VCF-style: chr11-64064975-T-C.
Other names: c.511T>C, p.Ser171Pro (NM_001317090.2, NM_033311.1); short protein forms S171P.
Identifiers: ClinVar variation 2850294 (VCV002850294.3), dbSNP rs2495690217, ClinGen allele CA381165643.